The following is an entry in ClinVar:

NM_001401501.2(MUC16):c.43441C>T (p.Leu14481Phe)

Gene: MUC16 (mucin 16, cell surface associated; minus strand). Cytogenetic location: 19p13.2.
Variant type: single nucleotide variant.
Coding change: c.43441C>T on transcript NM_001401501.2 (MANE Select); coding-DNA position 43441, C replaced by T.
Protein change: p.Leu14481Phe; replaces leucine 14481 with phenylalanine.
Molecular consequence: missense variant.
Genome position (GRCh38, 1-based): chr19:8,886,831, G>A on the plus strand (C>T on the coding strand, the complement: MUC16 is on the minus strand). VCF-style: chr19-8886831-G-A. GRCh37 (hg19) VCF-style: chr19-8997507-G-A.
Other names: c.43867C>T, p.Leu14623Phe (NM_001414686.1); c.43321C>T, p.Leu14441Phe (NM_001414687.1); c.40915C>T, p.Leu13639Phe (NM_024690.2); short protein forms L13639F, L14441F, L14481F, L14623F.
Identifiers: ClinVar variation 3055755 (VCV003055755.2), dbSNP rs1406034099, ClinGen allele CA403795424.

ClinVar aggregate classification (germline): Benign (0 of 4 stars; one submission).

Conditions:
MUC16-related disorder. Also called: MUC16-related condition.

Submission:

PreventionGenetics, part of Exact Sciences
Classification: Benign for MUC16-related condition. Last evaluated: 2019-02-18. Review status: no assertion criteria provided. Collection method: clinical testing. Allele origin: germline.
Comment: This variant is classified as benign based on ACMG/AMP sequence variant interpretation guidelines (Richards et al. 2015 PMID: 25741868, with internal and published modifications).